The following is an entry in ClinVar:

NM_001008537.3(NEXMIF):c.939dup (p.Tyr314fs)

Gene: NEXMIF (neurite extension and migration factor; minus strand). Cytogenetic location: Xq13.3.
Variant type: Duplication.
Coding change: c.939dup on transcript NM_001008537.3 (MANE Select); coding-DNA position 939, one base duplicated (A; older notation c.939dupA).
Protein change: p.Tyr314fs; shifts the reading frame from tyrosine 314.
Molecular consequence: frameshift variant.
Genome position (GRCh38, 1-based): chrX:74,743,618, T duplicated on the plus strand (A on the coding strand, the reverse complement: NEXMIF is on the minus strand). VCF-style (leftmost placement, unchanged base first): chrX-74743617-A-AT. GRCh37 (hg19) VCF-style: chrX-73963452-A-AT.
Other names: short protein forms Y314fs.
Identifiers: ClinVar variation 2100513 (VCV002100513.4), dbSNP rs2519916040, ClinGen allele CA2580101522.

ClinVar aggregate classification (germline): Pathogenic (1 of 4 stars; one submission).

Submission:

Labcorp Genetics (formerly Invitae), Labcorp
Classification: Pathogenic. Last evaluated: 2022-02-20. Review status: criteria provided, single submitter. Criteria: Invitae Variant Classification Sherloc (09022015). Collection method: clinical testing. Allele origin: germline.
Comment: For these reasons, this variant has been classified as Pathogenic. This variant has not been reported in the literature in individuals affected with NEXMIF-related conditions. This variant is not present in population databases (gnomAD no frequency). This sequence change creates a premature translational stop signal (p.Tyr314Ilefs*2) in the NEXMIF gene. It is expected to result in an absent or disrupted protein product. Loss-of-function variants in NEXMIF are known to be pathogenic (PMID: 23615299).

Literature cited by the submitters: PubMed 23615299.